The following is an entry in ClinVar:

NM_001005498.4(RHBDF2):c.65G>A (p.Arg22Gln)

Gene: RHBDF2 (rhomboid 5 homolog 2; minus strand). Cytogenetic location: 17q25.1.
Variant type: single nucleotide variant.
Coding change: c.65G>A on transcript NM_001005498.4 (MANE Select); coding-DNA position 65, G replaced by A.
Protein change: p.Arg22Gln; replaces arginine 22 with glutamine.
Molecular consequence: missense variant. On other transcripts: non-coding transcript variant (3).
Genome position (GRCh38, 1-based): chr17:76,481,460, C>T on the plus strand (G>A on the coding strand, the complement: RHBDF2 is on the minus strand). VCF-style: chr17-76481460-C-T. GRCh37 (hg19) VCF-style: chr17-74477542-C-T.
Other names: c.65G>A, p.Arg22Gln (NM_001376228.1, NM_001376229.1, NM_001376230.1 and 1 more transcripts); short protein forms R22Q.
Identifiers: ClinVar variation 3250422 (VCV003250422.1), dbSNP rs753693526.
Genomic context (GRCh38, chr17:76,481,460, plus strand): 5'-CCAGGGGCCTGGGTCTCTTTCTCGGGTGGCGGGATGGTGATGGAGAGGTTGGGTGGCTTC[C>T]GGCTCTGCAGGCGGCTGCTGGACACAGAGGACACGCTCCCGCCATTCTTGTCAGCAGAGG-3'
Protein context (NP_001005498.2, residues 12-32): SSVSSSRLQS[Arg22Gln]KPPNLSITIP

ClinVar aggregate classification (germline): Uncertain significance (1 of 4 stars; one submission).

Conditions:
Palmoplantar keratoderma-esophageal carcinoma syndrome (TOC). Also called: KERATOSIS PALMARIS ET PLANTARIS WITH ESOPHAGEAL CANCER; Tylosis with Esophageal Cancer; PALMOPLANTAR KERATODERMA WITH ESOPHAGEAL CANCER. Identifiers: Orphanet 2198, MedGen C1835664, MONDO:0007856, OMIM 148500.

Allele frequency attached by ClinVar (database versions not stated): TOPMed 0.00005; gnomAD exomes 0.00006; ExAC 0.00005; gnomAD 0.00005.
gnomAD v4.1: 95 of 1,612,454 alleles (0.0059%); highest among the groups gnomAD compares: South Asian, 0.031%; 1 homozygote.

Submission:

Neuberg Centre For Genomic Medicine, NCGM
Classification: Uncertain significance for Palmoplantar keratoderma-esophageal carcinoma syndrome. Review status: criteria provided, single submitter. Criteria: ACMG Guidelines, 2015. Collection method: clinical testing. Allele origin: germline. Inheritance: Autosomal dominant inheritance. Affected: yes.
Comment: The observed missense variant c.65G>A (p.Arg22Gln) has not been reported previously as a pathogenic variant nor as a benign variant, to our knowledge. The p.Arg22Gln variant is presesnt with an allele frequency of 0.006% in the gnomAD exomes database. This variant has not been submitted to the ClinVar database. The amino acid change p.Arg22Gln in RHBDF2 is predicted as conserved by GERP++ and PhyloP across 100 vertebrates. The amino acid Arg at position 22 is changed to a Gln changing protein sequence and it might alter its composition and physico-chemical properties. For these reasons, this variant has been classified as a Variant of Uncertain Significance (VUS).